The following is an entry in ClinVar:

ClinVar aggregate classification (germline): Uncertain significance (1 of 4 stars; one submission).

Submission:

Labcorp Genetics (formerly Invitae), Labcorp
Classification: Uncertain significance. Last evaluated: 2023-06-18. Review status: criteria provided, single submitter. Criteria: Invitae Variant Classification Sherloc (09022015). Collection method: clinical testing. Allele origin: germline.
Comment: This variant has not been reported in the literature in individuals affected with GRIA3-related conditions. This variant is not present in population databases (gnomAD no frequency). This sequence change replaces serine, which is neutral and polar, with threonine, which is neutral and polar, at codon 26 of the GRIA3 protein (p.Ser26Thr). An algorithm developed to predict the effect of missense changes on protein structure and function (PolyPhen-2) suggests that this variant is likely to be tolerated. In summary, the available evidence is currently insufficient to determine the role of this variant in disease. Therefore, it has been classified as a Variant of Uncertain Significance.

NM_007325.5(GRIA3):c.76T>A (p.Ser26Thr)

Gene: GRIA3 (glutamate ionotropic receptor AMPA type subunit 3; plus strand). Cytogenetic location: Xq25.
Variant type: single nucleotide variant.
Coding change: c.76T>A on transcript NM_007325.5 (MANE Select); coding-DNA position 76, T replaced by A.
Protein change: p.Ser26Thr; replaces serine 26 with threonine.
Molecular consequence: missense variant.
Genome position (GRCh38, 1-based): chrX:123,184,611, T>A. VCF-style: chrX-123184611-T-A. GRCh37 (hg19) VCF-style: chrX-122318463-T-A.
Other names: c.76T>A, p.Ser26Thr (NM_000828.5, NM_001256743.2); short protein forms S26T.
Identifiers: ClinVar variation 2718916 (VCV002718916.3), dbSNP rs2520418881, ClinGen allele CA414254839.